The following is an entry in ClinVar:

ClinVar aggregate classification (germline): Uncertain significance (1 of 4 stars; one submission).

Submission:

Ambry Genetics
Classification: Uncertain significance. Last evaluated: 2021-07-29. Review status: criteria provided, single submitter. Criteria: Ambry Variant Classification Scheme 2023. Collection method: clinical testing. Allele origin: germline.
Comment: The p.P1411T variant (also known as c.4231C>A), located in coding exon 18 of the NPAT gene, results from a C to A substitution at nucleotide position 4231. The proline at codon 1411 is replaced by threonine, an amino acid with highly similar properties. This amino acid position is conserved. In addition, the in silico prediction for this alteration is inconclusive. Since supporting evidence is limited at this time, the clinical significance of this alteration remains unclear.

NM_002519.3(NPAT):c.4231C>A (p.Pro1411Thr)

Gene: NPAT (nuclear protein, coactivator of histone transcription; minus strand). Cytogenetic location: 11q22.3.
Variant type: single nucleotide variant.
Coding change: c.4231C>A on transcript NM_002519.3 (MANE Select); coding-DNA position 4231, C replaced by A.
Protein change: p.Pro1411Thr; replaces proline 1411 with threonine.
Molecular consequence: missense variant.
Genome position (GRCh38, 1-based): chr11:108,158,995, G>T on the plus strand (C>A on the coding strand, the complement: NPAT is on the minus strand). VCF-style: chr11-108158995-G-T. GRCh37 (hg19) VCF-style: chr11-108029722-G-T.
Other names: c.4252C>A, p.Pro1418Thr (NM_001321307.1); short protein forms P1418T, P1411T.
Identifiers: ClinVar variation 1738916 (VCV001738916.2), dbSNP rs2496688730, ClinGen allele CA382509068.